The following is an entry in ClinVar:

NM_198578.4(LRRK2):c.5155A>G (p.Met1719Val)

Gene: LRRK2 (leucine rich repeat kinase 2; plus strand). Cytogenetic location: 12q12.
Variant type: single nucleotide variant.
Coding change: c.5155A>G on transcript NM_198578.4 (MANE Select); coding-DNA position 5155, A replaced by G.
Protein change: p.Met1719Val; replaces methionine 1719 with valine.
Molecular consequence: missense variant.
Genome position (GRCh38, 1-based): chr12:40,321,173, A>G. VCF-style: chr12-40321173-A-G. GRCh37 (hg19) VCF-style: chr12-40714975-A-G.
Other names: short protein forms M1719V.
Identifiers: ClinVar variation 1745687 (VCV001745687.2), dbSNP rs2499879000, ClinGen allele CA384420113.
Genomic context (GRCh38, chr12:40,321,173, plus strand): 5'-TATTTTCCAATGGGATTTTGGTCAAGATTAATCAATCGATTACTTGAGATTTCACCTTAC[A>G]TGCTTTCAGGGAGAGGTAAGTATCTAATGAAGACTTATTAGATTTTTAGAGACTATTAAT-3'
Protein context (NP_940980.4, residues 1709-1729): INRLLEISPY[Met1719Val]LSGRERALRP

ClinVar aggregate classification (germline): Uncertain significance (1 of 4 stars; one submission).

Conditions:
Inborn genetic diseases. Identifiers: MedGen C0950123, MeSH D030342.

Submission:

Ambry Genetics
Classification: Uncertain significance for Inborn genetic diseases. Last evaluated: 2022-06-01. Review status: criteria provided, single submitter. Criteria: Ambry Variant Classification Scheme 2023. Collection method: clinical testing. Allele origin: germline.
Comment: The p.M1719V variant (also known as c.5155A>G), located in coding exon 35 of the LRRK2 gene, results from an A to G substitution at nucleotide position 5155. The methionine at codon 1719 is replaced by valine, an amino acid with highly similar properties. This amino acid position is conserved. In addition, the in silico prediction for this alteration is inconclusive. Since supporting evidence is limited at this time, the clinical significance of this alteration remains unclear.